The following is an entry in ClinVar:

NM_001134665.3(TRMT10A):c.157C>G (p.Gln53Glu)

Gene: TRMT10A (tRNA methyltransferase 10A; minus strand). Cytogenetic location: 4q23.
Variant type: single nucleotide variant.
Coding change: c.157C>G on transcript NM_001134665.3 (MANE Select); coding-DNA position 157, C replaced by G.
Protein change: p.Gln53Glu; replaces glutamine 53 with glutamic acid.
Molecular consequence: missense variant.
Genome position (GRCh38, 1-based): chr4:99,559,182, G>C on the plus strand (C>G on the coding strand, the complement: TRMT10A is on the minus strand). VCF-style: chr4-99559182-G-C. GRCh37 (hg19) VCF-style: chr4-100480339-G-C.
Other names: c.157C>G, p.Gln53Glu (NM_001134666.3, NM_001375880.1, NM_001375881.1 and 2 more transcripts); short protein forms Q53E.
Identifiers: ClinVar variation 1960596 (VCV001960596.5), dbSNP rs778581742, ClinGen allele CA357513313.
Genomic context (GRCh38, chr4:99,559,182, plus strand): 5'-GGAAGAGAGCATATACATTTTGAAACACATACTTGCGGAGTTCCCGTTGCTCTTCCCATT[G>C]TTTCTGTTTTATTAGTTTTTTCATTTGTCGTTTAGATATTGGTTCACACCCTTCACCTAA-3'
Protein context (NP_001128137.1, residues 43-63): RQMKKLIKQK[Gln53Glu]WEEQRELRKQ

ClinVar aggregate classification (germline): Uncertain significance (1 of 4 stars; one submission).

Submission:

Labcorp Genetics (formerly Invitae), Labcorp
Classification: Uncertain significance. Last evaluated: 2022-03-19. Review status: criteria provided, single submitter. Criteria: Invitae Variant Classification Sherloc (09022015). Collection method: clinical testing. Allele origin: germline.
Comment: Algorithms developed to predict the effect of missense changes on protein structure and function are either unavailable or do not agree on the potential impact of this missense change (SIFT: "Tolerated"; PolyPhen-2: "Possibly Damaging"; Align-GVGD: "Class C0"). In summary, the available evidence is currently insufficient to determine the role of this variant in disease. Therefore, it has been classified as a Variant of Uncertain Significance. This variant has not been reported in the literature in individuals affected with TRMT10A-related conditions. This variant is not present in population databases (gnomAD no frequency). This sequence change replaces glutamine, which is neutral and polar, with glutamic acid, which is acidic and polar, at codon 53 of the TRMT10A protein (p.Gln53Glu).